The following is an entry in ClinVar:

ClinVar aggregate classification (germline): Uncertain significance (1 of 4 stars; one submission).

Submission:

CeGaT Center for Human Genetics Tuebingen
Classification: Uncertain significance. Last evaluated: 2025-01-01. Review status: criteria provided, single submitter. Criteria: CeGaT Center For Human Genetics Tuebingen Variant Classification Criteria Version 2. Collection method: clinical testing. Allele origin: germline. Affected: yes. Observed: 1 variant allele.
Comment: XPR1: PM2

NM_004736.4(XPR1):c.592A>C (p.Thr198Pro)

Gene: XPR1 (xenotropic and polytropic retrovirus receptor 1; plus strand). Cytogenetic location: 1q25.3.
Variant type: single nucleotide variant.
Coding change: c.592A>C on transcript NM_004736.4 (MANE Select); coding-DNA position 592, A replaced by C.
Protein change: p.Thr198Pro; replaces threonine 198 with proline.
Molecular consequence: missense variant. On other transcripts: non-coding transcript variant (1).
Genome position (GRCh38, 1-based): chr1:180,806,206, A>C. VCF-style: chr1-180806206-A-C. GRCh37 (hg19) VCF-style: chr1-180775342-A-C.
Other names: c.592A>C, p.Thr198Pro (NM_001135669.2, NM_001328662.2); short protein forms T198P.
Identifiers: ClinVar variation 3772349 (VCV003772349.13).